The following is an entry in ClinVar:

NM_001134407.3(GRIN2A):c.1961T>C (p.Ile654Thr)

Gene: GRIN2A (glutamate ionotropic receptor NMDA type subunit 2A; minus strand). Cytogenetic location: 16p13.2.
Variant type: single nucleotide variant.
Coding change: c.1961T>C on transcript NM_001134407.3 (MANE Select); coding-DNA position 1961, T replaced by C.
Protein change: p.Ile654Thr; replaces isoleucine 654 with threonine.
Molecular consequence: missense variant.
Genome position (GRCh38, 1-based): chr16:9,829,469, A>G on the plus strand (T>C on the coding strand, the complement: GRIN2A is on the minus strand). VCF-style: chr16-9829469-A-G. GRCh37 (hg19) VCF-style: chr16-9923326-A-G.
Other names: c.1961T>C, p.Ile654Thr (NM_000833.5, NM_001134408.2); short protein forms I654T.
Identifiers: ClinVar variation 941334 (VCV000941334.9), dbSNP rs2042447540, ClinGen allele CA394799240.

ClinVar aggregate classification (germline): Pathogenic/Likely pathogenic. Review status: criteria provided, multiple submitters, no conflicts (2 of 4 stars). 3 submissions from 3 submitters: Pathogenic (2); Likely pathogenic (1). Last evaluated 2021-08-27.

Conditions:
Landau-Kleffner syndrome (FESD). Also called: EPILEPSY, FOCAL, WITH SPEECH DISORDER AND WITH OR WITHOUT MENTAL RETARDATION; APHASIA, ACQUIRED, WITH EPILEPSY. Identifiers: Orphanet 1945, Orphanet 725, Orphanet 98818, MedGen C0282512, MONDO:0009509, OMIM 245570.

Submissions (3):

Labcorp Genetics (formerly Invitae), Labcorp
Classification: Pathogenic for Landau-Kleffner syndrome. Last evaluated: 2021-08-27. Review status: criteria provided, single submitter. Criteria: Invitae Variant Classification Sherloc (09022015). Collection method: clinical testing. Allele origin: germline.

GeneDx
Classification: Pathogenic. Last evaluated: 2019-08-16. Review status: criteria provided, single submitter. Criteria: GeneDx Variant Classification Process June 2021. Collection method: clinical testing. Allele origin: germline. Affected: yes.
Comment: In silico analysis, which includes protein predictors and evolutionary conservation, supports a deleterious effect; Not observed in large population cohorts (Lek et al., 2016); This variant is associated with the following publications: (PMID: 30544257)

Institute of Human Genetics, University of Leipzig Medical Center
Classification: Likely pathogenic for Landau-Kleffner syndrome. Last evaluated: 2019-01-01. Review status: criteria provided, single submitter. Criteria: ACMG Guidelines, 2015. Collection method: research. Allele origin: de novo. Affected: yes.

Literature cited by the submitters: PubMed 30544257 (cited by Institute of Human Genetics, University of Leipzig Medical Center).